The following is an entry in ClinVar:

NM_002972.4(SBF1):c.2486T>G (p.Phe829Cys)

Gene: SBF1 (SET binding factor 1; minus strand). Cytogenetic location: 22q13.33.
Variant type: single nucleotide variant.
Coding change: c.2486T>G on transcript NM_002972.4 (MANE Select); coding-DNA position 2486, T replaced by G.
Protein change: p.Phe829Cys; replaces phenylalanine 829 with cysteine.
Molecular consequence: missense variant.
Genome position (GRCh38, 1-based): chr22:50,462,030, A>C on the plus strand (T>G on the coding strand, the complement: SBF1 is on the minus strand). VCF-style: chr22-50462030-A-C. GRCh37 (hg19) VCF-style: chr22-50900459-A-C.
Other names: c.2489T>G, p.Phe830Cys (NM_001365819.1, NM_001410794.1); c.2486T>G, p.Phe829Cys (NM_001410795.1, NM_197971.1); short protein forms F829C, F830C.
Identifiers: ClinVar variation 2132286 (VCV002132286.4), dbSNP rs2521944443, ClinGen allele CA412209320.

ClinVar aggregate classification (germline): Uncertain significance (1 of 4 stars; one submission).

Submission:

Labcorp Genetics (formerly Invitae), Labcorp
Classification: Uncertain significance. Last evaluated: 2022-04-30. Review status: criteria provided, single submitter. Criteria: Invitae Variant Classification Sherloc (09022015). Collection method: clinical testing. Allele origin: germline.
Comment: Algorithms developed to predict the effect of missense changes on protein structure and function are either unavailable or do not agree on the potential impact of this missense change (SIFT: "Deleterious"; PolyPhen-2: "Probably Damaging"; Align-GVGD: "Class C0"). This variant has not been reported in the literature in individuals affected with SBF1-related conditions. This sequence change replaces phenylalanine, which is neutral and non-polar, with cysteine, which is neutral and slightly polar, at codon 829 of the SBF1 protein (p.Phe829Cys). This variant is not present in population databases (gnomAD no frequency). In summary, the available evidence is currently insufficient to determine the role of this variant in disease. Therefore, it has been classified as a Variant of Uncertain Significance.